The following is an entry in ClinVar:

ClinVar aggregate classification (germline): Benign. Review status: criteria provided, multiple submitters, no conflicts (2 of 4 stars). 10 submissions from 9 submitters: Benign (8). 2 of the submissions do not count toward it. Last evaluated 2026-02-01.

Conditions:
MYH9-related disorder. Identifiers: MedGen C1854520.
Autosomal dominant nonsyndromic hearing loss 17. Also called: Autosomal dominant nonsyndromic deafness 17; Deafness, autosomal dominant 17. Identifiers: Orphanet 90635, MedGen C1863659, MONDO:0011350, OMIM 603622.

Allele frequency attached by ClinVar (database versions not stated): 1000 Genomes Project 0.01637; 1000 Genomes Project 30x 0.01686; gnomAD exomes 0.00178 and 0.00450; ExAC 0.00609; gnomAD 0.01420 and 0.01529; ESP Exome Variant Server 0.01469; TOPMed 0.01623.
gnomAD v4.1: 4,942 of 1,609,590 alleles (0.31%); highest among the groups gnomAD compares: African/African-American, 4.7%; 99 homozygotes.

Submissions (10):

Labcorp Genetics (formerly Invitae), Labcorp
Classification: Benign. Last evaluated: 2026-02-01. Review status: criteria provided, single submitter. Criteria: Invitae Variant Classification Sherloc (09022015). Collection method: clinical testing. Allele origin: germline.

ARUP Laboratories, Molecular Genetics and Genomics, ARUP Laboratories
Classification: Benign. Last evaluated: 2024-06-12. Review status: criteria provided, single submitter. Criteria: ARUP Molecular Germline Variant Investigation Process 2024. Collection method: clinical testing. Allele origin: germline.

GeneDx
Classification: Benign. Last evaluated: 2019-09-20. Review status: criteria provided, single submitter. Criteria: GeneDx Variant Classification (06012015). Collection method: clinical testing. Allele origin: germline. Affected: yes.

Illumina Laboratory Services, Illumina
Classification: Benign for MYH9-related disorder. Last evaluated: 2018-01-13. Review status: criteria provided, single submitter. Criteria: ICSL Variant Classification Criteria 13 December 2019. Collection method: clinical testing. Allele origin: germline.
Comment: This variant was observed in the ICSL laboratory as part of a predisposition screen in an ostensibly healthy population. It had not been previously curated by ICSL or reported in the Human Gene Mutation Database (HGMD: prior to June 1st, 2018), and was therefore a candidate for classification through an automated scoring system. Utilizing variant allele frequency, disease prevalence and penetrance estimates, and inheritance mode, an automated score was calculated to assess if this variant is too frequent to cause the disease. Based on the score and internal cut-off values, a variant classified as benign is not then subjected to further curation. The score for this variant resulted in a classification of benign for this disease.

Illumina Laboratory Services, Illumina
Classification: Benign for Autosomal dominant nonsyndromic hearing loss 17. Last evaluated: 2018-01-13. Review status: criteria provided, single submitter. Criteria: ICSL Variant Classification Criteria 13 December 2019. Collection method: clinical testing. Allele origin: germline.
Comment: the same text as in the submission from Illumina Laboratory Services, Illumina above.

Laboratory for Molecular Medicine, Mass General Brigham Personalized Medicine
Classification: Benign. Last evaluated: 2012-05-07. Review status: criteria provided, single submitter. Criteria: LMM Criteria. Collection method: clinical testing. Allele origin: germline. Observed: 16 variant alleles.
Comment: 3838-12C>T in Intron 28 of MYH9: This variant is not expected to have clinical s ignificance because it has been identified in 3.9% (145/3736) of African America n chromosomes from a broad population by the NHLBI Exome Sequencing Project (dbSNP rs113698937).

Breakthrough Genomics
Classification: Benign. Review status: criteria provided, single submitter. Criteria: ACMG Guidelines, 2015. Collection method: not provided. Allele origin: germline. Inheritance: Autosomal dominant inheritance. Affected: yes.

PreventionGenetics, part of Exact Sciences
Classification: Benign. Review status: criteria provided, single submitter. Criteria: ACMG Guidelines, 2015. Collection method: clinical testing. Allele origin: germline.

Joint Genome Diagnostic Labs from Nijmegen and Maastricht, Radboudumc and MUMC+
Classification: Benign. Review status: no assertion criteria provided. Collection method: clinical testing. Allele origin: germline. Affected: yes. Study: VKGL Data-share Consensus. Not counted in ClinVar's aggregate classification.

Laboratory of Diagnostic Genome Analysis, Leiden University Medical Center (LUMC)
Classification: Likely benign. Review status: no assertion criteria provided. Collection method: clinical testing. Allele origin: germline. Affected: yes. Study: VKGL Data-share Consensus. Not counted in ClinVar's aggregate classification.

NM_002473.6(MYH9):c.3838-12C>T

Gene: MYH9 (myosin heavy chain 9; minus strand). Cytogenetic location: 22q12.3.
Variant type: single nucleotide variant.
Coding change: c.3838-12C>T on transcript NM_002473.6 (MANE Select); 12 bases into the intron before coding-DNA position 3838, C replaced by T.
Molecular consequence: intron variant.
Genome position (GRCh38, 1-based): chr22:36,293,875, G>A on the plus strand (C>T on the coding strand, the complement: MYH9 is on the minus strand). VCF-style: chr22-36293875-G-A. GRCh37 (hg19) VCF-style: chr22-36689921-G-A.
Identifiers: ClinVar variation 44560 (VCV000044560.23), dbSNP rs113698937, ClinGen allele CA134532.